The following is an entry in ClinVar:

NM_001303256.3(MORC2):c.158-12del

Gene: MORC2 (MORC family CW-type zinc finger 2; minus strand). Cytogenetic location: 22q12.2.
Variant type: Deletion.
Coding change: c.158-12del on transcript NM_001303256.3 (MANE Select); 12 bases into the intron before coding-DNA position 158, one base deleted (C; older notation c.158-12delC).
Molecular consequence: intron variant.
Genome position (GRCh38, 1-based): chr22:30,950,457, G deleted on the plus strand (C on the coding strand, the reverse complement: MORC2 is on the minus strand). VCF-style (leftmost placement, unchanged base first): chr22-30950456-AG-A. GRCh37 (hg19) VCF-style: chr22-31346442-AG-A.
Other names: c.158-12del (NM_001303257.2); c.-29-12del (NM_014941.3).
Identifiers: ClinVar variation 1264281 (VCV001264281.16), dbSNP rs66613527, ClinGen allele CA10187362.

ClinVar aggregate classification (germline): Benign/Likely benign. Review status: criteria provided, multiple submitters, no conflicts (2 of 4 stars). 6 submissions from 5 submitters: Benign (5); Likely benign (1). Last evaluated 2026-08-01.

Conditions:
Developmental delay, impaired growth, dysmorphic facies, and axonal neuropathy. Identifiers: MedGen C5436781, MONDO:0030835, OMIM 619090.
Charcot-Marie-Tooth disease axonal type 2Z. Also called: CHARCOT-MARIE-TOOTH DISEASE, AXONAL, AUTOSOMAL DOMINANT, TYPE 2Z; CHARCOT-MARIE-TOOTH NEUROPATHY, TYPE 2Z. Identifiers: Orphanet 466768, MedGen C5569025, MONDO:0014736, OMIM 616688.

Allele frequency attached by ClinVar (database versions not stated): ExAC 0.00096; 1000 Genomes Project 30x 0.00219; 1000 Genomes Project 0.00220; gnomAD 0.00317 and 0.00343; ESP Exome Variant Server 0.00367; TOPMed 0.00367; gnomAD exomes 0.00032 and 0.00077.

Submissions (6):

CeGaT Center for Human Genetics Tuebingen
Classification: Likely benign. Last evaluated: 2026-08-01. Review status: criteria provided, single submitter. Criteria: CeGaT Center For Human Genetics Tuebingen Variant Classification Criteria Version 2. Collection method: clinical testing. Allele origin: germline. Affected: yes. Observed: 2 variant alleles.
Comment: MORC2: BS1

Labcorp Genetics (formerly Invitae), Labcorp
Classification: Benign for Charcot-Marie-Tooth disease axonal type 2Z. Last evaluated: 2026-01-12. Review status: criteria provided, single submitter. Criteria: Invitae Variant Classification Sherloc (09022015). Collection method: clinical testing. Allele origin: germline.

ARUP Laboratories, Molecular Genetics and Genomics, ARUP Laboratories
Classification: Benign. Last evaluated: 2024-03-08. Review status: criteria provided, single submitter. Criteria: ARUP Molecular Germline Variant Investigation Process 2024. Collection method: clinical testing. Allele origin: germline.

Genome-Nilou Lab
Classification: Benign for Charcot-Marie-Tooth disease axonal type 2Z. Last evaluated: 2022-03-15. Review status: criteria provided, single submitter. Criteria: ACMG Guidelines, 2015. Collection method: clinical testing. Allele origin: germline. Affected: no.

Genome-Nilou Lab
Classification: Benign for Developmental delay, impaired growth, dysmorphic facies, and axonal neuropathy. Last evaluated: 2022-03-15. Review status: criteria provided, single submitter. Criteria: ACMG Guidelines, 2015. Collection method: clinical testing. Allele origin: germline. Affected: no.

GeneDx
Classification: Benign. Last evaluated: 2020-10-26. Review status: criteria provided, single submitter. Criteria: GeneDx Variant Classification Process June 2021. Collection method: clinical testing. Allele origin: germline. Affected: yes.